The following is an entry in ClinVar:

NM_024915.4(GRHL2):c.685C>T (p.Arg229Trp)

Gene: GRHL2 (grainyhead like transcription factor 2; plus strand). Cytogenetic location: 8q22.3.
Variant type: single nucleotide variant.
Coding change: c.685C>T on transcript NM_024915.4 (MANE Select); coding-DNA position 685, C replaced by T.
Protein change: p.Arg229Trp; replaces arginine 229 with tryptophan.
Molecular consequence: missense variant.
Genome position (GRCh38, 1-based): chr8:101,570,345, C>T. VCF-style: chr8-101570345-C-T. GRCh37 (hg19) VCF-style: chr8-102582573-C-T.
Other names: c.637C>T, p.Arg213Trp (NM_001330593.2); short protein forms R229W, R213W.
Identifiers: ClinVar variation 504944 (VCV000504944.8), dbSNP rs766515922, ClinGen allele CA4830355.

ClinVar aggregate classification (germline): Uncertain significance. Review status: criteria provided, multiple submitters, no conflicts (2 of 4 stars). 2 submissions from 2 submitters: Uncertain significance (2). Last evaluated 2022-02-02.

Allele frequency attached by ClinVar (database versions not stated): gnomAD exomes 0.00001 and 0.00002; ExAC 0.00002; TOPMed 0.00002.
gnomAD v4.1: 16 of 1,613,730 alleles (0.00099%); highest among the groups gnomAD compares: Admixed American, 0.0083%; no homozygotes.

Submissions (2):

Labcorp Genetics (formerly Invitae), Labcorp
Classification: Uncertain significance. Last evaluated: 2022-02-02. Review status: criteria provided, single submitter. Criteria: Invitae Variant Classification Sherloc (09022015). Collection method: clinical testing. Allele origin: germline.
Comment: In summary, the available evidence is currently insufficient to determine the role of this variant in disease. Therefore, it has been classified as a Variant of Uncertain Significance. Algorithms developed to predict the effect of missense changes on protein structure and function are either unavailable or do not agree on the potential impact of this missense change (SIFT: "Deleterious"; PolyPhen-2: "Probably Damaging"; Align-GVGD: "Class C0"). ClinVar contains an entry for this variant (Variation ID: 504944). This variant has not been reported in the literature in individuals affected with GRHL2-related conditions. This variant is present in population databases (rs766515922, gnomAD 0.01%). This sequence change replaces arginine, which is basic and polar, with tryptophan, which is neutral and slightly polar, at codon 229 of the GRHL2 protein (p.Arg229Trp).

Laboratory for Molecular Medicine, Mass General Brigham Personalized Medicine
Classification: Uncertain significance. Last evaluated: 2016-05-05. Review status: criteria provided, single submitter. Criteria: LMM Criteria. Collection method: clinical testing. Allele origin: germline. Observed: 1 variant allele.
Comment: The p.Arg229Trp variant in GRHL2 has not been previously reported in individuals with hearing loss, but has been identified in 1/16506 South Asian chromosomes a nd 1/11564 Latino chromosomes by the Exome Aggregation Consortium (ExAC; dbSNP rs766515922). Although this variant has been seen in the general population, its frequency is not high enough to rule out a patho genic role. Computational prediction tools and conservation analysis do not prov ide strong support for or against an impact to the protein. In summary, the clin ical significance of the p.Arg229Trp variant is uncertain.